The following is an entry in ClinVar:

GRCh38/hg38 13q32.3-34(chr13:99472316-114293545)x3

Genes: LRTM3 (leucine rich repeat transmembrane protein 3; minus strand), MCF2L (MCF.2 cell line derived transforming sequence like; plus strand), MCF2L-AS1 (MCF2L antisense RNA 1; minus strand), METTL21C (methyltransferase 21C, AARS1 lysine; minus strand), MIR1267 (microRNA 1267; minus strand) and 419 more. Cytogenetic location: 13q32.3-34.
Variant type: copy number gain.
Change: copy number 3 (three copies instead of two) of chr13:99,472,316-114,293,545 (14.82 Mb, GRCh38 coordinates, 1-based), cytogenetic band 13q32.3-34.
Identifiers: ClinVar variation 59921 (VCV000059921.1).

ClinVar aggregate classification (germline): Pathogenic (1 of 4 stars; one submission).

Submission:

ISCA site 15
Classification: Pathogenic. Last evaluated: 2011-08-12. Review status: criteria provided, single submitter. Criteria: Kaminsky et al. (Genet Med. 2011). Collection method: clinical testing. Allele origin: de novo. Affected: yes. Observed: 1 variant allele.
Comment: Copy number variation identified through the course of routine clinical cytogenomic testing in postnatal populations. Clinical assertions have been curated as described in Kaminsky et al. 2011.